The following is an entry in ClinVar:

ClinVar aggregate classification (germline): Uncertain significance (1 of 4 stars; one submission).

Conditions:
Hereditary breast ovarian cancer syndrome. Also called: Hereditary breast and ovarian cancer syndrome; Hereditary breast and ovarian cancer syndrome (HBOC); BRCA1- and BRCA2-Associated Hereditary Breast and Ovarian Cancer; Hereditary breast and ovarian cancer; Breast and ovarian cancer; Hereditary breast and/or ovarian cancer syndrome. Identifiers: Orphanet 145, MedGen C0677776, MeSH D061325, MONDO:0003582. Disease mechanism: loss of function.

Submission:

Labcorp Genetics (formerly Invitae), Labcorp
Classification: Uncertain significance for Hereditary breast ovarian cancer syndrome. Last evaluated: 2024-06-09. Review status: criteria provided, single submitter. Criteria: Invitae Variant Classification Sherloc (09022015). Collection method: clinical testing. Allele origin: germline.
Comment: This sequence change replaces asparagine, which is neutral and polar, with lysine, which is basic and polar, at codon 560 of the BRCA2 protein (p.Asn560Lys). This variant is not present in population databases (gnomAD no frequency). This variant has not been reported in the literature in individuals affected with BRCA2-related conditions. Advanced modeling of protein sequence and biophysical properties (such as structural, functional, and spatial information, amino acid conservation, physicochemical variation, residue mobility, and thermodynamic stability) performed at Invitae indicates that this missense variant is not expected to disrupt BRCA2 protein function with a negative predictive value of 95%. In summary, the available evidence is currently insufficient to determine the role of this variant in disease. Therefore, it has been classified as a Variant of Uncertain Significance.

NM_000059.4(BRCA2):c.1680T>A (p.Asn560Lys)

Gene: BRCA2 (BRCA2 DNA repair associated; plus strand). Cytogenetic location: 13q13.1.
Variant type: single nucleotide variant.
Coding change: c.1680T>A on transcript NM_000059.4 (MANE Select); coding-DNA position 1680, T replaced by A.
Protein change: p.Asn560Lys; replaces asparagine 560 with lysine.
Molecular consequence: missense variant. On other transcripts: non-coding transcript variant (1), intron variant (1).
Genome position (GRCh38, 1-based): chr13:32,333,158, T>A. VCF-style: chr13-32333158-T-A. GRCh37 (hg19) VCF-style: chr13-32907295-T-A.
Other names: c.1680T>A, p.Asn560Lys (NM_001406719.1, NM_001406720.1, NM_001406721.1 and 1 more transcripts); c.424+2128T>A (NM_001406722.1); short protein forms N560K.
Identifiers: ClinVar variation 3636431 (VCV003636431.2).
Genomic context (GRCh38, chr13:32,333,158, plus strand): 5'-GGAAATACATACTGTTTGCTCACAGAAGGAGGACTCCTTATGTCCAAATTTAATTGATAA[T>A]GGAAGCTGGCCAGCCACCACCACACAGAATTCTGTAGCTTTGAAGAATGCAGGTTTAATA-3'
Protein context (NP_000050.3, residues 550-570): EDSLCPNLID[Asn560Lys]GSWPATTTQN